The following is an entry in ClinVar:

ClinVar aggregate classification (germline): Uncertain significance (1 of 4 stars; one submission).

Conditions:
Cardiovascular phenotype. Identifiers: MedGen CN230736.

gnomAD v4.1: 1 of 950,572 alleles (0.00011%); highest among the groups gnomAD compares: Non-Finnish European, 0.00012%; no homozygotes.

Submission:

Ambry Genetics
Classification: Uncertain significance for Cardiovascular phenotype. Last evaluated: 2024-05-25. Review status: criteria provided, single submitter. Criteria: Ambry Variant Classification Scheme 2023. Collection method: clinical testing. Allele origin: germline.
Comment: The p.R41G variant (also known as c.121C>G), located in coding exon 2 of the TBX1 gene, results from a C to G substitution at nucleotide position 121. The arginine at codon 41 is replaced by glycine, an amino acid with dissimilar properties. This amino acid position is conserved. In addition, this alteration is predicted to be tolerated by in silico analysis. Based on the available evidence, the clinical significance of this variant remains unclear.

NM_001379200.1(TBX1):c.148C>G (p.Arg50Gly)

Gene: TBX1 (T-box transcription factor 1; plus strand). Cytogenetic location: 22q11.21.
Variant type: single nucleotide variant.
Coding change: c.148C>G on transcript NM_001379200.1 (MANE Select); coding-DNA position 148, C replaced by G.
Protein change: p.Arg50Gly; replaces arginine 50 with glycine.
Molecular consequence: missense variant.
Genome position (GRCh38, 1-based): chr22:19,760,991, C>G. VCF-style: chr22-19760991-C-G. GRCh37 (hg19) VCF-style: chr22-19748514-C-G.
Other names: c.121C>G, p.Arg41Gly (NM_005992.1, NM_080646.2, NM_080647.1); short protein forms R41G, R50G.
Identifiers: ClinVar variation 3324838 (VCV003324838.1).
Genomic context (GRCh38, chr22:19,760,991, plus strand): 5'-CTGGGGGCCGCGGGGGGCTTCCCGGGCGCCGCGTCGCCCGGCGCCGACCCGTACGGCCCG[C>G]GCGAGCCCCCGCCGCCGCCGCCGCGCTACGACCCGTGCGCCGCCGCCGCCCCCGGCGCCC-3'
Protein context (NP_001366129.1, residues 40-60): ASPGADPYGP[Arg50Gly]EPPPPPPRYD